The following is an entry in ClinVar:

ClinVar aggregate classification (germline): Uncertain significance (1 of 4 stars; one submission).

Submission:

GeneDx
Classification: Uncertain significance. Last evaluated: 2025-04-07. Review status: criteria provided, single submitter. Criteria: GeneDx Variant Classification Process June 2021. Collection method: clinical testing. Allele origin: germline. Affected: yes.
Comment: Not observed at significant frequency in large population cohorts (gnomAD); In silico analysis supports that this missense variant has a deleterious effect on protein structure/function; Has not been previously published as pathogenic or benign to our knowledge

NM_004187.5(KDM5C):c.1580A>G (p.His527Arg)

Gene: KDM5C (lysine demethylase 5C; minus strand). Cytogenetic location: Xp11.22.
Variant type: single nucleotide variant.
Coding change: c.1580A>G on transcript NM_004187.5 (MANE Select); coding-DNA position 1580, A replaced by G.
Protein change: p.His527Arg; replaces histidine 527 with arginine.
Molecular consequence: missense variant. On other transcripts: non-coding transcript variant (3).
Genome position (GRCh38, 1-based): chrX:53,210,679, T>C on the plus strand (A>G on the coding strand, the complement: KDM5C is on the minus strand). VCF-style: chrX-53210679-T-C. GRCh37 (hg19) VCF-style: chrX-53239861-T-C.
Other names: c.1379A>G, p.His460Arg (NM_001146702.2); c.1577A>G, p.His526Arg (NM_001282622.3, NM_001353979.2, NM_001353982.2); c.1580A>G, p.His527Arg (NM_001353978.3, NM_001353981.2, NM_001353984.2); short protein forms H460R, H526R, H527R.
Identifiers: ClinVar variation 4281921 (VCV004281921.1).
Genomic context (GRCh38, chrX:53,210,679, plus strand): 5'-GGTCATGCAGGGAGCCCACACTGACTTGATTCCCTGGCTCCCCAGGGTCCCACTCACCAG[T>C]GGAGGTAGTTAATGGAGTAACTCCAGTGATCCTCAATATGCCAGCAAAAGGCTGAGAAGA-3'
Protein context (NP_004178.2, residues 517-537): DHWSYSINYL[His527Arg]WGEPKTWYGV